The following is an entry in ClinVar:

NM_014249.4(NR2E3):c.458C>T (p.Ala153Val)

Gene: NR2E3 (nuclear receptor subfamily 2 group E member 3; plus strand). Cytogenetic location: 15q23.
Variant type: single nucleotide variant.
Coding change: c.458C>T on transcript NM_014249.4 (MANE Select); coding-DNA position 458, C replaced by T.
Protein change: p.Ala153Val; replaces alanine 153 with valine.
Molecular consequence: missense variant.
Genome position (GRCh38, 1-based): chr15:71,812,063, C>T. VCF-style: chr15-71812063-C-T. GRCh37 (hg19) VCF-style: chr15-72104403-C-T.
Other names: c.458C>T, p.Ala153Val (NM_016346.4); short protein forms A153V.
Identifiers: ClinVar variation 993593 (VCV000993593.8), dbSNP rs1048454126, ClinGen allele CA272575150.

ClinVar aggregate classification (germline): Uncertain significance (1 of 4 stars; one submission).

Allele frequency attached by ClinVar (database versions not stated): gnomAD exomes below 0.00001.
gnomAD v4.1: 1 of 1,553,082 alleles (0.000064%); highest among the groups gnomAD compares: Non-Finnish European, 0.000087%; no homozygotes.

Submission:

ARUP Laboratories, Molecular Genetics and Genomics, ARUP Laboratories
Classification: Uncertain significance. Last evaluated: 2019-08-18. Review status: criteria provided, single submitter. Criteria: ARUP Molecular Germline Variant Investigation Process. Collection method: clinical testing. Allele origin: germline.
Comment: The NR2E3 c.458C>T; p.Ala153Val variant (rs1048454126), to our knowledge, is not reported in the medical literature or gene-specific databases. This variant is also absent from general population databases (Exome Variant Server, Genome Aggregation Database), indicating it is not a common polymorphism. The alanine at codon 153 is weakly conserved, and computational analyses (SIFT, PolyPhen-2) predict that this variant is tolerated. Computational analyses of splicing (Alamut v.2.11) predict that this variant may create a novel cryptic donor splice site, although this cryptic site is not predicted to be competitive with the canonical splice donor in exon 4, and RNA analyses would be required to confirm an impact on splicing. Given the lack of clinical and functional data, the significance of the p.Ala153Val variant is uncertain at this time.